The following is an entry in ClinVar:

NM_000455.5(STK11):c.402_403del (p.Cys134fs)

Gene: STK11 (serine/threonine kinase 11; plus strand). Cytogenetic location: 19p13.3.
Variant type: Microsatellite.
Coding change: c.402_403del on transcript NM_000455.5 (MANE Select); coding-DNA positions 402 to 403, 2 bases deleted (TG; older notation c.402_403delTG).
Protein change: p.Cys134fs; shifts the reading frame from cysteine 134.
Molecular consequence: frameshift variant.
Genome position (GRCh38, 1-based): chr19:1,219,351-1,219,352, TG deleted; deleting any 2 consecutive bases within chr19:1,219,346-1,219,352 gives the same sequence; the c. name uses the placement nearest the transcript's 3' end. VCF-style (leftmost placement, unchanged base first): chr19-1219345-CGT-C. GRCh37 (hg19) VCF-style: chr19-1219344-CGT-C.
Other names: c.402_403delTG (NM_000455.4); short protein forms C134fs.
Identifiers: ClinVar variation 182913 (VCV000182913.12), dbSNP rs587782424, ClinGen allele CA022877.

ClinVar aggregate classification (germline): Pathogenic. Review status: criteria provided, multiple submitters, no conflicts (2 of 4 stars). 3 submissions from 3 submitters: Pathogenic (3). Last evaluated 2023-02-27.

Conditions:
Hereditary cancer-predisposing syndrome. Also called: Tumor predisposition; Hereditary Cancer Syndrome; Hereditary neoplastic syndrome; Neoplastic Syndromes, Hereditary. Identifiers: Orphanet 140162, MedGen C0027672, MeSH D009386, MONDO:0015356.
Peutz-Jeghers syndrome (PJS). Also called: POLYPOSIS, HAMARTOMATOUS INTESTINAL; POLYPS-AND-SPOTS SYNDROME; Peutz-Jeghers polyposis; Periorificial lentiginosis syndrome. Identifiers: Orphanet 2869, MedGen C0031269, MeSH D010580, MONDO:0008280, OMIM 175200.

Submissions (3):

Labcorp Genetics (formerly Invitae), Labcorp
Classification: Pathogenic for Peutz-Jeghers syndrome. Last evaluated: 2023-02-27. Review status: criteria provided, single submitter. Criteria: Invitae Variant Classification Sherloc (09022015). Collection method: clinical testing. Allele origin: germline.
Comment: This premature translational stop signal has been observed in individual(s) with Peutz-Jeghers syndrome (PMID: 20393878). For these reasons, this variant has been classified as Pathogenic. Algorithms developed to predict the effect of sequence changes on RNA splicing suggest that this variant may disrupt the consensus splice site. ClinVar contains an entry for this variant (Variation ID: 182913). This variant is not present in population databases (gnomAD no frequency). This sequence change creates a premature translational stop signal (p.Cys134Trpfs*28) in the STK11 gene. It is expected to result in an absent or disrupted protein product. Loss-of-function variants in STK11 are known to be pathogenic (PMID: 15188174, 16287113).

Genome-Nilou Lab
Classification: Pathogenic for Peutz-Jeghers syndrome. Last evaluated: 2021-07-15. Review status: criteria provided, single submitter. Criteria: ACMG Guidelines, 2015. Collection method: clinical testing. Allele origin: germline. Affected: no.

GeneDx
Classification: Pathogenic for Neoplastic Syndromes, Hereditary. Last evaluated: 2014-03-20. Review status: criteria provided, single submitter. Criteria: GeneDx Variant Classification (06012015). Collection method: clinical testing. Allele origin: germline. Affected: yes.
Comment: The presence of the c.402_403delTG mutation was confirmed in the submitted specimen. The c.402_403delTG mutation in the STK11 gene causes a frameshift starting with codon Cysteine 134, changes this amino acid to a Tryptophan residue, and creates a premature Stop codon at position 28 of the new reading frame, denoted p.Cys134TrpfsX28. This mutation is predicted to cause loss of normal protein function either through protein truncation or nonsense mediated mRNA decay. Although this mutation has not been previously reported to our knowledge. The variant is found in STK11 panel(s).

Literature cited by the submitters: PubMed 20393878 (cited by Labcorp Genetics (formerly Invitae), Labcorp); PubMed 15188174 (cited by Labcorp Genetics (formerly Invitae), Labcorp); PubMed 16287113 (cited by Labcorp Genetics (formerly Invitae), Labcorp).